The following is an entry in ClinVar:

NM_000336.3(SCNN1B):c.493G>A (p.Asp165Asn)

Gene: SCNN1B (sodium channel epithelial 1 subunit beta; plus strand). Cytogenetic location: 16p12.2.
Variant type: single nucleotide variant.
Coding change: c.493G>A on transcript NM_000336.3 (MANE Select); coding-DNA position 493, G replaced by A.
Protein change: p.Asp165Asn; replaces aspartic acid 165 with asparagine.
Molecular consequence: missense variant.
Genome position (GRCh38, 1-based): chr16:23,352,982, G>A. VCF-style: chr16-23352982-G-A. GRCh37 (hg19) VCF-style: chr16-23364303-G-A.
Other names: c.493G>A, p.Asp165Asn (NM_001410900.1); short protein forms D165N.
Identifiers: ClinVar variation 4852703 (VCV004852703.2).
Genomic context (GRCh38, chr16:23,352,982, plus strand): 5'-TGGAACCACACACCCCTGGTCCTTATTGATGAACGGAACCCCCACCACCCCATGGTCCTT[G>A]ATCTCTTTGGAGACAACCACAATGGCTTAACAAGCAGCTCAGCATCAGAAAAGATCTGTA-3'
Protein context (NP_000327.2, residues 155-175): ERNPHHPMVL[Asp165Asn]LFGDNHNGLT

ClinVar aggregate classification (germline): Uncertain significance (1 of 4 stars; one submission).

Submission:

Dasa
Classification: Uncertain significance. Last evaluated: 2025-02-03. Review status: criteria provided, single submitter. Criteria: DASA Assertion Criteria. Collection method: clinical testing. Allele origin: germline.
Comment: NM_000336.3(SCNN1B):c.493G>A (p.Asp165Asn) is a missense variant that results in the substitution of aspartic acid with asparagine. This variant is absent from population databases. Computational prediction algorithms are consistent with a benign effect. The currently available literature and clinical evidence are not sufficient to establish a definitive association between this variant and the reported condition. Therefore, this variant is classified as a variant of uncertain significance.